The following is an entry in ClinVar:

NM_013275.6(ANKRD11):c.7111G>T (p.Ala2371Ser)

Gene: ANKRD11 (ankyrin repeat domain 11; minus strand). Cytogenetic location: 16q24.3.
Variant type: single nucleotide variant.
Coding change: c.7111G>T on transcript NM_013275.6 (MANE Select); coding-DNA position 7111, G replaced by T.
Protein change: p.Ala2371Ser; replaces alanine 2371 with serine.
Molecular consequence: missense variant.
Genome position (GRCh38, 1-based): chr16:89,279,431, C>A on the plus strand (G>T on the coding strand, the complement: ANKRD11 is on the minus strand). VCF-style: chr16-89279431-C-A. GRCh37 (hg19) VCF-style: chr16-89345839-C-A.
Other names: c.7111G>T, p.Ala2371Ser (NM_001256182.2, NM_001256183.2); short protein forms A2371S.
Identifiers: ClinVar variation 862455 (VCV000862455.22), dbSNP rs747911603, ClinGen allele CA8241295.

ClinVar aggregate classification (germline): Conflicting classifications of pathogenicity. Review status: criteria provided, conflicting classifications (1 of 4 stars). 5 submissions from 5 submitters: Uncertain significance (4); Likely benign (1). Last evaluated 2025-08-01.

Conditions:
KBG syndrome (KBGS). Also called: ANKRD11-Related KBG Syndrome. Identifiers: Orphanet 2332, MedGen C0220687, MONDO:0007846, OMIM 148050.
Inborn genetic diseases. Identifiers: MedGen C0950123, MeSH D030342.

Allele frequency attached by ClinVar (database versions not stated): gnomAD exomes 0.00001 and 0.00007; gnomAD 0.00002 and 0.00003; TOPMed 0.00003; ExAC 0.00015.
gnomAD v4.1: 93 of 1,520,648 alleles (0.0061%); highest among the groups gnomAD compares: Non-Finnish European, 0.0079%; no homozygotes.

Submissions (5):

CeGaT Center for Human Genetics Tuebingen
Classification: Likely benign. Last evaluated: 2025-08-01. Review status: criteria provided, single submitter. Criteria: CeGaT Center For Human Genetics Tuebingen Variant Classification Criteria Version 2. Collection method: clinical testing. Allele origin: germline. Affected: yes. Observed: 1 variant allele.
Comment: ANKRD11: BP4, BP5

Labcorp Genetics (formerly Invitae), Labcorp
Classification: Uncertain significance for KBG syndrome. Last evaluated: 2024-07-01. Review status: criteria provided, single submitter. Criteria: Invitae Variant Classification Sherloc (09022015). Collection method: clinical testing. Allele origin: germline.
Comment: This sequence change replaces alanine, which is neutral and non-polar, with serine, which is neutral and polar, at codon 2371 of the ANKRD11 protein (p.Ala2371Ser). This variant is present in population databases (rs747911603, gnomAD 0.002%). This variant has not been reported in the literature in individuals affected with ANKRD11-related conditions. ClinVar contains an entry for this variant (Variation ID: 862455). Advanced modeling of protein sequence and biophysical properties (such as structural, functional, and spatial information, amino acid conservation, physicochemical variation, residue mobility, and thermodynamic stability) performed at Invitae indicates that this missense variant is not expected to disrupt ANKRD11 protein function with a negative predictive value of 95%. In summary, the available evidence is currently insufficient to determine the role of this variant in disease. Therefore, it has been classified as a Variant of Uncertain Significance.

Clinical Genomics Laboratory, Washington University in St. Louis
Classification: Uncertain significance for KBG syndrome. Last evaluated: 2023-12-19. Review status: criteria provided, single submitter. Criteria: ACMG Guidelines, 2015. Collection method: clinical testing. Allele origin: germline.
Comment: The ANKRD11 c.7111G>T (p.Ala2371Ser) variant, to our knowledge, has not been reported in the medical literature but has been reported in the ClinVar database as a germline variant of uncertain significance by three submitters. This variant is only observed on 1/124,112 alleles in the general population (gnomAD v.2.1.1), indicating it is not a common variant. Computational predictors suggest that the variant does not impact ANKRD11 function. Due to limited information, and based on ACMG/AMP guidelines for variant interpretation (Richards S et al., PMID: 25741868), the clinical significance of this variant is uncertain at this time.

Revvity Omics, Revvity
Classification: Uncertain significance for KBG syndrome. Last evaluated: 2020-06-02. Review status: criteria provided, single submitter. Criteria: ACMG Guidelines, 2015. Collection method: clinical testing. Allele origin: germline.

Ambry Genetics
Classification: Uncertain significance for Inborn genetic diseases. Last evaluated: 2020-03-11. Review status: criteria provided, single submitter. Criteria: Ambry Variant Classification Scheme 2023. Collection method: clinical testing. Allele origin: germline.
Comment: The p.A2371S variant (also known as c.7111G>T), located in coding exon 7 of the ANKRD11 gene, results from a G to T substitution at nucleotide position 7111. The alanine at codon 2371 is replaced by serine, an amino acid with similar properties. This amino acid position is poorly conserved in available vertebrate species. In addition, this alteration is predicted to be tolerated by in silico analysis. Since supporting evidence is limited at this time, the clinical significance of this alteration remains unclear.